The following is an entry in ClinVar:

NM_000834.5(GRIN2B):c.3479A>G (p.Asp1160Gly)

Gene: GRIN2B (glutamate ionotropic receptor NMDA type subunit 2B; minus strand). Cytogenetic location: 12p13.1.
Variant type: single nucleotide variant.
Coding change: c.3479A>G on transcript NM_000834.5 (MANE Select); coding-DNA position 3479, A replaced by G.
Protein change: p.Asp1160Gly; replaces aspartic acid 1160 with glycine.
Molecular consequence: missense variant.
Genome position (GRCh38, 1-based): chr12:13,563,759, T>C on the plus strand (A>G on the coding strand, the complement: GRIN2B is on the minus strand). VCF-style: chr12-13563759-T-C. GRCh37 (hg19) VCF-style: chr12-13716693-T-C.
Other names: c.3479A>G, p.Asp1160Gly (NM_001413992.1); short protein forms D1160G.
Identifiers: ClinVar variation 4793791 (VCV004793791.1).

ClinVar aggregate classification (germline): Uncertain significance (1 of 4 stars; one submission).

Conditions:
Developmental and epileptic encephalopathy, 27 (DEE27). Also called: Epileptic encephalopathy, early infantile, 27; GRIN2B-Related Neurodevelopmental Disorder. Identifiers: Orphanet 3451, MedGen C4015316, MONDO:0014505, OMIM 616139.
Intellectual developmental disorder, autosomal dominant 6, with or without seizures. Also called: Intellectual disability, autosomal dominant 6; GRIN2B-related developmental delay, intellectual disability and autism spectrum disorder. Identifiers: Orphanet 589547, MedGen C3151411, MONDO:0013509, OMIM 613970.

gnomAD v4.1: 1 of 1,614,034 alleles (0.000062%); highest among the groups gnomAD compares: South Asian, 0.0011%; no homozygotes.

Submission:

Labcorp Genetics (formerly Invitae), Labcorp
Classification: Uncertain significance for Developmental and epileptic encephalopathy, 27; Intellectual developmental disorder, autosomal dominant 6, with or without seizures. Last evaluated: 2025-10-16. Review status: criteria provided, single submitter. Criteria: Invitae Variant Classification Sherloc (09022015). Collection method: clinical testing. Allele origin: germline.
Comment: This sequence change replaces aspartic acid, which is acidic and polar, with glycine, which is neutral and non-polar, at codon 1160 of the GRIN2B protein (p.Asp1160Gly). This variant is not present in population databases (gnomAD no frequency). This variant has not been reported in the literature in individuals affected with GRIN2B-related conditions. Invitae Evidence Modeling of protein sequence and biophysical properties (such as structural, functional, and spatial information, amino acid conservation, physicochemical variation, residue mobility, and thermodynamic stability) indicates that this missense variant is not expected to disrupt GRIN2B protein function with a negative predictive value of 95%. In summary, the available evidence is currently insufficient to determine the role of this variant in disease. Therefore, it has been classified as a Variant of Uncertain Significance.